The following is an entry in ClinVar:

NM_024675.4(PALB2):c.2582T>G (p.Leu861Ter)

Gene: PALB2 (partner and localizer of BRCA2; minus strand). Cytogenetic location: 16p12.2.
Variant type: single nucleotide variant.
Coding change: c.2582T>G on transcript NM_024675.4 (MANE Select); coding-DNA position 2582, T replaced by G.
Protein change: p.Leu861Ter; replaces leucine 861 with a stop codon.
Molecular consequence: nonsense. On other transcripts: intron variant (1).
Genome position (GRCh38, 1-based): chr16:23,629,208, A>C on the plus strand (T>G on the coding strand, the complement: PALB2 is on the minus strand). VCF-style: chr16-23629208-A-C. GRCh37 (hg19) VCF-style: chr16-23640529-A-C.
Other names: c.2522T>G, p.Leu841Ter (NM_001407296.1); c.2582T>G, p.Leu861Ter (NM_001407298.1, NM_001407299.1, NM_001407300.1 and 2 more transcripts); c.1697T>G, p.Leu566Ter (NM_001407304.1, NM_001407305.1, NM_001407306.1 and 5 more transcripts); c.794T>G, p.Leu265Ter (NM_001407312.1, NM_001407313.1); c.116T>G, p.Leu39Ter (NM_001407314.1); c.2514+432T>G (NM_001407297.1); short protein forms L566*, L265*, L39*, L841*, L861*.
Identifiers: ClinVar variation 2858976 (VCV002858976.3), dbSNP rs2142367705, ClinGen allele CA395123639.

ClinVar aggregate classification (germline): Pathogenic (1 of 4 stars; one submission).

Conditions:
Familial cancer of breast. Also called: Hereditary breast cancer; BREAST CANCER, FAMILIAL; hereditary breast carcinoma. Identifiers: Orphanet 227535, MedGen C0346153, MONDO:0016419, OMIM 114480. Disease mechanism: loss of function.

Submission:

Labcorp Genetics (formerly Invitae), Labcorp
Classification: Pathogenic for Familial cancer of breast. Last evaluated: 2023-04-25. Review status: criteria provided, single submitter. Criteria: Invitae Variant Classification Sherloc (09022015). Collection method: clinical testing. Allele origin: germline.
Comment: For these reasons, this variant has been classified as Pathogenic. This variant has not been reported in the literature in individuals affected with PALB2-related conditions. This variant is not present in population databases (gnomAD no frequency). This sequence change creates a premature translational stop signal (p.Leu861*) in the PALB2 gene. It is expected to result in an absent or disrupted protein product. Loss-of-function variants in PALB2 are known to be pathogenic (PMID: 17200668, 17200671, 17200672, 24136930, 25099575).

Literature cited by the submitters: PubMed 17200668; PubMed 17200671; PubMed 17200672; PubMed 24136930; PubMed 25099575.